The following is an entry in ClinVar:

NM_001365588.1(NLGN4Y):c.1011T>C (p.Cys337=)

Gene: NLGN4Y (neuroligin 4 Y-linked; plus strand). Cytogenetic location: Yq11.221.
Variant type: single nucleotide variant.
Coding change: c.1011T>C on transcript NM_001365588.1 (MANE Select); coding-DNA position 1011, T replaced by C.
Protein change: p.Cys337=; no amino-acid change (cysteine 337 retained).
Molecular consequence: synonymous variant.
Genome position (GRCh38, 1-based): chrY:14,829,869, T>C. VCF-style: chrY-14829869-T-C. GRCh37 (hg19) VCF-style: chrY-16941749-T-C.
Other names: c.447T>C, p.Cys149= (NM_001206850.2); c.1011T>C, p.Cys337= (NM_001365584.1, NM_001365586.1, NM_001394830.1); c.951T>C, p.Cys317= (NM_001365590.1, NM_001365591.1, NM_001365592.1 and 3 more transcripts).
Identifiers: ClinVar variation 2661891 (VCV002661891.24), dbSNP rs1171997626, ClinGen allele CA520504502.
Genomic context (GRCh38, chrY:14,829,869, plus strand): 5'-TCGGATATTGGCAGACAAGGTCGGCTGCAACATGCTGGACACCACGGACATGGTAGAATG[T>C]CTGAAGAACAAGAACTACAAGGAGCTCATCCAGCAGACCATCACCCCGGCCACCTACCAC-3'
Protein context (NP_001352517.1, residues 327-347): NMLDTTDMVE[Cys337=]LKNKNYKELI

ClinVar aggregate classification (germline): Likely benign (1 of 4 stars; one submission).

Submission:

CeGaT Center for Human Genetics Tuebingen
Classification: Likely benign. Last evaluated: 2023-08-01. Review status: criteria provided, single submitter. Criteria: CeGaT Center For Human Genetics Tuebingen Variant Classification Criteria Version 2. Collection method: clinical testing. Allele origin: germline. Affected: yes. Observed: 1 variant allele.
Comment: NLGN4Y: PM2:Supporting, BP4, BP7